The following is an entry in ClinVar:

NC_000017.10:g.(?_16875309)_(16875389_?)dup

Gene: TNFRSF13B (TNF receptor superfamily member 13B; minus strand). Cytogenetic location: 17p11.2.
Variant type: Duplication.
Identifiers: ClinVar variation 1440765 (VCV001440765.4).

ClinVar aggregate classification (germline): Uncertain significance (1 of 4 stars; one submission).

Conditions:
Immunodeficiency, common variable, 2 (CVID2). Also called: ANTIBODY DEFICIENCY DUE TO TACI DEFECT; HYPOGAMMAGLOBULINEMIA DUE TO TACI DEFICIENCY. Identifiers: Orphanet 1572, MedGen C3150354, MONDO:0009413, OMIM 240500.

Submission:

Labcorp Genetics (formerly Invitae), Labcorp
Classification: Uncertain significance for Immunodeficiency, common variable, 2. Last evaluated: 2022-08-10. Review status: criteria provided, single submitter. Criteria: Invitae Variant Classification Sherloc (09022015). Collection method: clinical testing. Allele origin: germline.
Comment: This variant results in a copy number gain of the genomic region encompassing exon(s) 1 of the TNFRSF13B gene. This region includes the initiator codon of the gene. This copy number gain extends beyond the assayed region for this gene and therefore may encompass additional genes. As the precise location of this event is unknown, it may be in tandem or it may be located elsewhere in the genome. This variant has not been reported in the literature in individuals affected with TNFRSF13B-related conditions. In summary, the available evidence is currently insufficient to determine the role of this variant in disease. Therefore, it has been classified as a Variant of Uncertain Significance.